The following is an entry in ClinVar:

ClinVar aggregate classification (germline): Uncertain significance (1 of 4 stars; one submission).

Conditions:
Familial thoracic aortic aneurysm and aortic dissection (TAAD). Also called: Thoracic aortic aneurysms and dissections. Identifiers: Orphanet 91387, MedGen C4707243, MONDO:0019625.

Submission:

Ambry Genetics
Classification: Uncertain significance for Familial thoracic aortic aneurysm and aortic dissection. Last evaluated: 2025-05-30. Review status: criteria provided, single submitter. Criteria: Ambry Variant Classification Scheme 2023. Collection method: clinical testing. Allele origin: germline.
Comment: The p.T331N variant (also known as c.992C>A), located in coding exon 7 of the MED12 gene, results from a C to A substitution at nucleotide position 992. The threonine at codon 331 is replaced by asparagine, an amino acid with similar properties. This amino acid position is conserved. In addition, this alteration is predicted to be tolerated by in silico analysis. Based on the available evidence, the clinical significance of this variant remains unclear.

NM_005120.3(MED12):c.992C>A (p.Thr331Asn)

Gene: MED12 (mediator complex subunit 12; plus strand). Cytogenetic location: Xq13.1.
Variant type: single nucleotide variant.
Coding change: c.992C>A on transcript NM_005120.3 (MANE Select); coding-DNA position 992, C replaced by A.
Protein change: p.Thr331Asn; replaces threonine 331 with asparagine.
Molecular consequence: missense variant.
Genome position (GRCh38, 1-based): chrX:71,121,707, C>A. VCF-style: chrX-71121707-C-A. GRCh37 (hg19) VCF-style: chrX-70341557-C-A.
Other names: short protein forms T331N.
Identifiers: ClinVar variation 4053397 (VCV004053397.1).
Genomic context (GRCh38, chrX:71,121,707, plus strand): 5'-GTGTGAGCAGTCACTCATCTCATGTTATATCTGCTCAGTCAACAAGCACGCTACCCACCA[C>A]CCCTGCTCCTCAGCCCCCAACTAGCAGCACACCCTCGACTCCCTTTAGTGACCTGCTTAT-3'
Protein context (NP_005111.2, residues 321-341): SAQSTSTLPT[Thr331Asn]PAPQPPTSST